The following is an entry in ClinVar:

ClinVar aggregate classification (germline): Uncertain significance (1 of 4 stars; one submission).

Conditions:
Hereditary cancer-predisposing syndrome. Also called: Tumor predisposition; Neoplastic Syndromes, Hereditary; Hereditary Cancer Syndrome; Hereditary neoplastic syndrome. Identifiers: Orphanet 140162, MedGen C0027672, MeSH D009386, MONDO:0015356.

Submission:

Ambry Genetics
Classification: Uncertain significance for Hereditary cancer-predisposing syndrome. Last evaluated: 2024-10-28. Review status: criteria provided, single submitter. Criteria: Ambry Variant Classification Scheme 2023. Collection method: clinical testing. Allele origin: germline.
Comment: The p.S322T variant (also known as c.964T>A), located in coding exon 6 of the CTNNA1 gene, results from a T to A substitution at nucleotide position 964. The serine at codon 322 is replaced by threonine, an amino acid with similar properties. This amino acid position is conserved. In addition, this alteration is predicted to be tolerated by in silico analysis. Based on the available evidence, the clinical significance of this variant remains unclear.

NM_001903.5(CTNNA1):c.964T>A (p.Ser322Thr)

Gene: CTNNA1 (catenin alpha 1; plus strand). Cytogenetic location: 5q31.2.
Variant type: single nucleotide variant.
Coding change: c.964T>A on transcript NM_001903.5 (MANE Select); coding-DNA position 964, T replaced by A.
Protein change: p.Ser322Thr; replaces serine 322 with threonine.
Molecular consequence: missense variant.
Genome position (GRCh38, 1-based): chr5:138,827,620, T>A. VCF-style: chr5-138827620-T-A. GRCh37 (hg19) VCF-style: chr5-138163309-T-A.
Other names: c.964T>A, p.Ser322Thr (NM_001290307.3, NM_001323982.2, NM_001323983.1 and 3 more transcripts); c.655T>A, p.Ser219Thr (NM_001290309.3); c.595T>A, p.Ser199Thr (NM_001290310.3); short protein forms S322T, S199T, S219T.
Identifiers: ClinVar variation 3498258 (VCV003498258.1).